The following is an entry in ClinVar:

ClinVar aggregate classification (germline): Benign/Likely benign. Review status: criteria provided, multiple submitters, no conflicts (2 of 4 stars). 9 submissions from 9 submitters: Benign (1); Likely benign (8). Last evaluated 2026-01-26.

Conditions:
Classic or attenuated familial adenomatous polyposis. Identifiers: MedGen CN372698, MONDO:0021057.
APC-related disorder. Also called: APC-related condition.
Familial adenomatous polyposis 1 (FAP1). Also called: FAMILIAL ADENOMATOUS POLYPOSIS 1, ATTENUATED; POLYPOSIS, ADENOMATOUS INTESTINAL. Identifiers: MedGen C2713442, MONDO:0021056, OMIM 175100. Disease mechanism: loss of function.
Desmoid disease, hereditary (DESMD). Also called: FIBROMATOSIS, FAMILIAL INFILTRATIVE. Identifiers: Orphanet 873, MedGen C1851124, OMIM 135290. Disease mechanism: loss of function.
Colorectal cancer. Also called: Malignant Colorectal Neoplasm; Colorectal cancer, somatic. Identifiers: MedGen C0346629, MONDO:0005575, OMIM 114500.
Gastric cancer. Also called: Malignant tumor of stomach; Stomach cancer. Identifiers: MedGen C0024623, MeSH D013274, MONDO:0001056, OMIM 613659, HP:0012126.
Gastric adenocarcinoma and proximal polyposis of the stomach (GAPPS). Also called: Gastric Adenocarcinoma and Proximal Polyposis of the Stomach (GAPPS); POLYPOSIS, GASTRIC; Polyposis, gastric, Dos Santos and de Magalhaes 1980. Identifiers: Orphanet 314022, MedGen C4749917, MONDO:0017790, OMIM 619182.
Hepatocellular carcinoma (HCC). Also called: Primary carcinoma of liver; HEPATOMA; LIVER CELL CARCINOMA. Identifiers: Orphanet 88673, MedGen C2239176, MONDO:0007256, OMIM 114550, HP:0001402.
Hereditary cancer-predisposing syndrome. Also called: Neoplastic Syndromes, Hereditary; Tumor predisposition; Hereditary neoplastic syndrome; Hereditary Cancer Syndrome. Identifiers: Orphanet 140162, MedGen C0027672, MeSH D009386, MONDO:0015356.

Allele frequency attached by ClinVar (database versions not stated): gnomAD 0.00002; gnomAD exomes 0.00002 and 0.00005; TOPMed 0.00002; ExAC 0.00003; ESP Exome Variant Server 0.00008.
gnomAD v4.1: 76 of 1,606,746 alleles (0.0047%); highest among the groups gnomAD compares: Non-Finnish European, 0.0062%; no homozygotes.

Submissions (9):

Labcorp Genetics (formerly Invitae), Labcorp
Classification: Likely benign for Familial adenomatous polyposis 1. Last evaluated: 2026-01-26. Review status: criteria provided, single submitter. Criteria: Invitae Variant Classification Sherloc (09022015). Collection method: clinical testing. Allele origin: germline.

PreventionGenetics, part of Exact Sciences
Classification: Likely benign for APC-related condition. Last evaluated: 2024-11-11. Review status: criteria provided, single submitter. Criteria: ACMG Guidelines, 2015. Collection method: clinical testing. Allele origin: germline.
Comment: This variant is classified as likely benign based on ACMG/AMP sequence variant interpretation guidelines (Richards et al. 2015 PMID: 25741868, with internal and published modifications).

Myriad Genetics, Inc.
Classification: Likely benign for Familial adenomatous polyposis 1. Last evaluated: 2024-03-01. Review status: criteria provided, single submitter. Criteria: Myriad Autosomal Dominant, Autosomal Recessive and X-Linked Classification Criteria (2023). Collection method: clinical testing. Allele origin: unknown.
Comment: This variant is considered likely benign. This variant is intronic and is not expected to impact mRNA splicing.

All of Us Research Program, National Institutes of Health
Classification: Likely benign for Classic or attenuated familial adenomatous polyposis. Last evaluated: 2023-12-01. Review status: criteria provided, single submitter. Criteria: ACMG Guidelines, 2015. Collection method: clinical testing. Allele origin: germline. Inheritance: Autosomal dominant inheritance. Observed: 14 variant alleles, 14 heterozygotes.
Comment: This study involves interpretation of variants in research participants for the purpose of population health screening. Participant phenotype was not available at the time of variant classification. Additional details can be found in publication PMID: 35346344, PMCID: PMC8962531

Quest Diagnostics Nichols Institute San Juan Capistrano
Classification: Likely benign. Last evaluated: 2020-09-24. Review status: criteria provided, single submitter. Criteria: Quest Diagnostics criteria. Collection method: clinical testing. Allele origin: unknown.

Department of Pathology and Laboratory Medicine, Sinai Health System
Classification: Likely benign for Colorectal cancer; Hepatocellular carcinoma; Desmoid disease, hereditary; Familial adenomatous polyposis 1; Gastric cancer; Gastric adenocarcinoma and proximal polyposis of the stomach. Last evaluated: 2019-12-17. Review status: criteria provided, single submitter. Criteria: ACMG Guidelines, 2015. Collection method: clinical testing. Allele origin: germline. Affected: no.

Color Diagnostics, LLC DBA Color Health
Classification: Likely benign for Hereditary cancer-predisposing syndrome. Last evaluated: 2016-11-22. Review status: criteria provided, single submitter. Criteria: ACMG Guidelines, 2015. Collection method: clinical testing. Allele origin: germline.

GeneDx
Classification: Benign. Last evaluated: 2014-10-10. Review status: criteria provided, single submitter. Criteria: GeneDx Variant Classification (06012015). Collection method: clinical testing. Allele origin: germline. Affected: yes.
Comment: This variant is considered likely benign or benign based on one or more of the following criteria: it is a conservative change, it occurs at a poorly conserved position in the protein, it is predicted to be benign by multiple in silico algorithms, and/or has population frequency not consistent with disease.

Ambry Genetics
Classification: Likely benign for Hereditary cancer-predisposing syndrome. Last evaluated: 2013-11-07. Review status: criteria provided, single submitter. Criteria: Ambry Autosomal Dominant and X-Linked criteria (10/2015). Collection method: clinical testing. Allele origin: germline. Observed: 1 variant allele.

Literature cited by the submitters: PubMed 23085758 (cited by Department of Pathology and Laboratory Medicine, Sinai Health System).

NM_000038.6(APC):c.1313-9A>G

Gene: APC (APC regulator of Wnt signaling pathway; plus strand). Cytogenetic location: 5q22.2.
Variant type: single nucleotide variant.
Coding change: c.1313-9A>G on transcript NM_000038.6 (MANE Select); 9 bases into the intron before coding-DNA position 1313, A replaced by G.
Molecular consequence: intron variant.
Genome position (GRCh38, 1-based): chr5:112,821,887, A>G. VCF-style: chr5-112821887-A-G. GRCh37 (hg19) VCF-style: chr5-112157584-A-G.
Other names: c.1313-9A>G (NM_001354895.2, NM_001127510.3, NM_001354896.2); c.1343-9A>G (NM_001354897.2); c.1040-9A>G (NM_001354902.2); c.1259-9A>G (NM_001127511.3); c.1238-9A>G (NM_001354898.2); c.935-9A>G (NM_001354904.2); c.464-9A>G (NM_001354906.2); c.1010-9A>G (NM_001354903.2); and 3 more.
Identifiers: ClinVar variation 181777 (VCV000181777.22), dbSNP rs368494354, ClinGen allele CA004239.
Genomic context (GRCh38, chr5:112,821,887, plus strand): 5'-AAAGTACAATAAACATCATTGCTCTTCAAATAACAAAGCATTATGGTTTATGTTGATTTT[A>G]TTTTTCAGTGCCAGCTCCTGTTGAACATCAGATCTGTCCTGCTGTGTGTGTTCTAATGAA-3'